The following is an entry in ClinVar:

NM_001197104.2(KMT2A):c.9106G>A (p.Val3036Ile)

Gene: KMT2A (lysine methyltransferase 2A; plus strand). Cytogenetic location: 11q23.3.
Variant type: single nucleotide variant.
Coding change: c.9106G>A on transcript NM_001197104.2 (MANE Select); coding-DNA position 9106, G replaced by A.
Protein change: p.Val3036Ile; replaces valine 3036 with isoleucine.
Molecular consequence: missense variant.
Genome position (GRCh38, 1-based): chr11:118,504,998, G>A. VCF-style: chr11-118504998-G-A. GRCh37 (hg19) VCF-style: chr11-118375713-G-A.
Other names: c.9196G>A, p.Val3066Ile (NM_001412597.1); c.9097G>A, p.Val3033Ile (NM_005933.4); short protein forms V3033I, V3036I, V3066I.
Identifiers: ClinVar variation 2420139 (VCV002420139.5), dbSNP rs1212406107, ClinGen allele CA382818403.
Genomic context (GRCh38, chr11:118,504,998, plus strand): 5'-GAGCAAGGTCATGGCAACAATCAGGATTTAACTAGGAACAGTAGCACCCCTGGCCTTCAG[G>A]TACCTGTTTCCCCAACTGTTCCCATCCAGAACCAGAAGTATGTGCCCAATTCTACTGATA-3'
Protein context (NP_001184033.1, residues 3026-3046): TRNSSTPGLQ[Val3036Ile]PVSPTVPIQN

ClinVar aggregate classification (germline): Uncertain significance. Review status: criteria provided, multiple submitters, no conflicts (2 of 4 stars). 2 submissions from 2 submitters: Uncertain significance (2). Last evaluated 2026-06-03.

Conditions:
Inborn genetic diseases. Identifiers: MedGen C0950123, MeSH D030342.

Allele frequency attached by ClinVar (database versions not stated): TOPMed 0.00002; gnomAD exomes 0.00001; gnomAD 0.00003.
gnomAD v4.1: 20 of 1,613,912 alleles (0.0012%); highest among the groups gnomAD compares: Middle Eastern, 0.016%; no homozygotes.

Submissions (2):

Ambry Genetics
Classification: Uncertain significance for Inborn genetic diseases. Last evaluated: 2026-06-03. Review status: criteria provided, single submitter. Criteria: Ambry Variant Classification Scheme 2023. Collection method: clinical testing. Allele origin: germline.

Labcorp Genetics (formerly Invitae), Labcorp
Classification: Uncertain significance. Last evaluated: 2025-12-13. Review status: criteria provided, single submitter. Criteria: Invitae Variant Classification Sherloc (09022015). Collection method: clinical testing. Allele origin: germline.
Comment: This sequence change replaces valine, which is neutral and non-polar, with isoleucine, which is neutral and non-polar, at codon 3036 of the KMT2A protein (p.Val3036Ile). This variant is present in population databases (no rsID available, gnomAD 0.01%). This variant has not been reported in the literature in individuals affected with KMT2A-related conditions. ClinVar contains an entry for this variant (Variation ID: 2420139). Invitae Evidence Modeling of protein sequence and biophysical properties (such as structural, functional, and spatial information, amino acid conservation, physicochemical variation, residue mobility, and thermodynamic stability) indicates that this missense variant is not expected to disrupt KMT2A protein function with a negative predictive value of 95%. In summary, the available evidence is currently insufficient to determine the role of this variant in disease. Therefore, it has been classified as a Variant of Uncertain Significance.